The following is an entry in ClinVar:

NM_024503.5(HIVEP3):c.6768T>C (p.Pro2256=)

Gene: HIVEP3 (HIVEP zinc finger 3; minus strand). Cytogenetic location: 1p34.2.
Variant type: single nucleotide variant.
Coding change: c.6768T>C on transcript NM_024503.5 (MANE Select); coding-DNA position 6768, T replaced by C.
Protein change: p.Pro2256=; no amino-acid change (proline 2256 retained).
Molecular consequence: synonymous variant.
Genome position (GRCh38, 1-based): chr1:41,510,904, A>G on the plus strand (T>C on the coding strand, the complement: HIVEP3 is on the minus strand). VCF-style: chr1-41510904-A-G. GRCh37 (hg19) VCF-style: chr1-41976575-A-G.
Other names: c.6765T>C, p.Pro2255= (NM_001127714.3); c.6768T>C (NM_024503.4).
Identifiers: ClinVar variation 775537 (VCV000775537.6), dbSNP rs60232566, ClinGen allele CA797107.
Genomic context (GRCh38, chr1:41,510,904, plus strand): 5'-CTTGGGGTAGTCCCCGCCCTCCAGCTCTGAGGAGAGTGTGAATTTGGAGACCTTAGCCAC[A>G]GGCGACACGGAGGCTGACGAGCTCTCAGTGGGACTCCAGCGGCCTCGCTCCTGGGCCTCC-3'
Protein context (NP_078779.2, residues 2246-2266): PTESSSASVS[Pro2256=]VAKVSKFTLS

ClinVar aggregate classification (germline): Benign. Review status: criteria provided, multiple submitters, no conflicts (2 of 4 stars). 3 submissions from 3 submitters: Benign (2). 1 of the submissions does not count toward it. Last evaluated 2017-08-03.

Conditions:
HIVEP3-related disorder. Also called: HIVEP3-related condition.

Allele frequency attached by ClinVar (database versions not stated): gnomAD exomes 0.00751; ExAC 0.00916; gnomAD 0.02979 and 0.03202; 1000 Genomes Project 0.03115; 1000 Genomes Project 30x 0.03264; ESP Exome Variant Server 0.03360; TOPMed 0.03373.
gnomAD v4.1: 8,811 of 1,613,482 alleles (0.55%); highest among the groups gnomAD compares: African/African-American, 11%; 449 homozygotes.

Submissions (3):

Labcorp Genetics (formerly Invitae), Labcorp
Classification: Benign. Last evaluated: 2017-08-03. Review status: criteria provided, single submitter. Criteria: Invitae Variant Classification Sherloc (09022015). Collection method: clinical testing. Allele origin: germline.

Breakthrough Genomics
Classification: Benign. Review status: criteria provided, single submitter. Criteria: ACMG Guidelines, 2015. Collection method: not provided. Allele origin: germline. Inheritance: Unknown mechanism. Affected: yes.

PreventionGenetics, part of Exact Sciences
Classification: Benign for HIVEP3-related condition. Last evaluated: 2019-03-23. Review status: no assertion criteria provided. Collection method: clinical testing. Allele origin: germline. Not counted in ClinVar's aggregate classification.
Comment: This variant is classified as benign based on ACMG/AMP sequence variant interpretation guidelines (Richards et al. 2015 PMID: 25741868, with internal and published modifications).